The following is an entry in ClinVar:

ClinVar aggregate classification (germline): Uncertain significance. Review status: criteria provided, multiple submitters, no conflicts (2 of 4 stars). 2 submissions from 2 submitters: Uncertain significance (2). Last evaluated 2024-02-01.

Conditions:
Walker-Warburg congenital muscular dystrophy. Also called: Muscular dystrophy-dystroglycanopathy, type A; Walker-Warburg syndrome. Identifiers: Orphanet 899, MedGen C0265221, MONDO:0000171.

Allele frequency attached by ClinVar (database versions not stated): gnomAD exomes below 0.00001.
gnomAD v4.1: 3 of 1,466,138 alleles (0.0002%); highest among the groups gnomAD compares: Non-Finnish European, 0.00027%; no homozygotes.

Submissions (2):

Athena Diagnostics
Classification: Uncertain significance. Last evaluated: 2024-02-01. Review status: criteria provided, single submitter. Criteria: Athena Diagnostics Criteria. Collection method: clinical testing. Allele origin: unknown.
Comment: Available data are insufficient to determine the clinical significance of the variant at this time. This variant has been identified in at least one individual with clinical features associated with this gene. This variant has not been reported in large, multi-ethnic general populations. Computational tools predict that this variant is damaging.

Labcorp Genetics (formerly Invitae), Labcorp
Classification: Uncertain significance for Walker-Warburg congenital muscular dystrophy. Last evaluated: 2022-07-17. Review status: criteria provided, single submitter. Criteria: Invitae Variant Classification Sherloc (09022015). Collection method: clinical testing. Allele origin: germline.
Comment: In summary, the available evidence is currently insufficient to determine the role of this variant in disease. Therefore, it has been classified as a Variant of Uncertain Significance. Algorithms developed to predict the effect of missense changes on protein structure and function are either unavailable or do not agree on the potential impact of this missense change (SIFT: "Deleterious"; PolyPhen-2: "Possibly Damaging"; Align-GVGD: "Class C0"). This variant has not been reported in the literature in individuals affected with FKRP-related conditions. This variant is not present in population databases (gnomAD no frequency). This sequence change replaces leucine, which is neutral and non-polar, with proline, which is neutral and non-polar, at codon 236 of the FKRP protein (p.Leu236Pro).

Literature cited by the submitters: PubMed 29101272 (cited by Athena Diagnostics).

NM_024301.5(FKRP):c.707T>C (p.Leu236Pro)

Gene: FKRP (fukutin related protein; plus strand). Cytogenetic location: 19q13.32.
Variant type: single nucleotide variant.
Coding change: c.707T>C on transcript NM_024301.5 (MANE Select); coding-DNA position 707, T replaced by C.
Protein change: p.Leu236Pro; replaces leucine 236 with proline.
Molecular consequence: missense variant.
Genome position (GRCh38, 1-based): chr19:46,756,157, T>C. VCF-style: chr19-46756157-T-C. GRCh37 (hg19) VCF-style: chr19-47259414-T-C.
Other names: c.707T>C, p.Leu236Pro (NM_001039885.3); c.707T>C (NM_024301.4); short protein forms L236P.
Identifiers: ClinVar variation 1935724 (VCV001935724.6), dbSNP rs2513991154, ClinGen allele CA406495852.
Genomic context (GRCh38, chr19:46,756,157, plus strand): 5'-GGCCGGTGGGCACCAGCCTCTTTCTGCAGACCGCCCTTCGCGGCTGGGCGGTGCAGCTGC[T>C]GGACTTGACCTTCGCCGCGGCGCGCCAGCCCCCGCTGGCCACGGCCCACGCGCGCTGGAA-3'
Protein context (NP_077277.1, residues 226-246): TALRGWAVQL[Leu236Pro]DLTFAAARQP